The following is an entry in ClinVar:

NM_000257.4(MYH7):c.508_509del (p.Glu170fs)

Gene: MYH7 (myosin heavy chain 7; minus strand). Cytogenetic location: 14q11.2.
Variant type: Microsatellite.
Coding change: c.508_509del on transcript NM_000257.4 (MANE Select); coding-DNA positions 508 to 509, 2 bases deleted (GA; older notation c.508_509delGA).
Protein change: p.Glu170fs; shifts the reading frame from glutamic acid 170.
Molecular consequence: frameshift variant.
Genome position (GRCh38, 1-based): chr14:23,432,500-23,432,501, TC deleted on the plus strand (GA on the coding strand, the reverse complement: MYH7 is on the minus strand); deleting any 2 consecutive bases within chr14:23,432,500-23,432,504 gives the same sequence; the c. name uses the placement nearest the transcript's 3' end. VCF-style (leftmost placement, unchanged base first): chr14-23432499-TTC-T. GRCh37 (hg19) VCF-style: chr14-23901708-TTC-T.
Other names: short protein forms E170fs.
Identifiers: ClinVar variation 1022713 (VCV001022713.6), dbSNP rs1892988709, ClinGen allele CA2123453671.
Genomic context (GRCh38, chr14:23,432,499, plus strand): 5'-GGGAGATTCTGAAAGGGAATACAGTAGCAGCTACACTCACGTGATCAGGATGGACTGGTT[TTC>T]TCTGTCTGTGGGGAGAGGGTGGGGAGGAAAGGTCAGGAGCTGCACAGGATGCTCTCGTGG-3'

ClinVar aggregate classification (germline): Uncertain significance (1 of 4 stars; one submission).

Conditions:
Hypertrophic cardiomyopathy. Also called: HYPERTROPHIC MYOCARDIOPATHY. Identifiers: Orphanet 217569, MedGen C0007194, MeSH D002312, MONDO:0005045, HP:0001639.

Submission:

Labcorp Genetics (formerly Invitae), Labcorp
Classification: Uncertain significance for Hypertrophic cardiomyopathy. Last evaluated: 2020-10-03. Review status: criteria provided, single submitter. Criteria: Invitae Variant Classification Sherloc (09022015). Collection method: clinical testing. Allele origin: germline.
Comment: This sequence change creates a premature translational stop signal (p.Glu170Lysfs*122) in the MYH7 gene. It is expected to result in an absent or disrupted protein product. This variant is not present in population databases (ExAC no frequency). This variant has not been reported in the literature in individuals with MYH7-related conditions. The current clinical and genetic evidence is not sufficient to establish whether loss-of-function variants in MYH7 cause disease. In summary, the available evidence is currently insufficient to determine the role of this variant in disease. Therefore, it has been classified as a Variant of Uncertain Significance.